The following is an entry in ClinVar:

NM_000548.5(TSC2):c.1307C>G (p.Pro436Arg)

Gene: TSC2 (TSC complex subunit 2; plus strand). Cytogenetic location: 16p13.3.
Variant type: single nucleotide variant.
Coding change: c.1307C>G on transcript NM_000548.5 (MANE Select); coding-DNA position 1307, C replaced by G.
Protein change: p.Pro436Arg; replaces proline 436 with arginine.
Molecular consequence: missense variant.
Genome position (GRCh38, 1-based): chr16:2,062,546, C>G. VCF-style: chr16-2062546-C-G. GRCh37 (hg19) VCF-style: chr16-2112547-C-G.
Other names: c.1307C>G, p.Pro436Arg (NM_001077183.3, NM_001114382.3, NM_001363528.2 and 3 more transcripts); c.1196C>G, p.Pro399Arg (NM_001318827.2); c.1160C>G, p.Pro387Arg (NM_001318829.2); c.707C>G, p.Pro236Arg (NM_001318831.2); c.1340C>G, p.Pro447Arg (NM_001318832.2); short protein forms P236R, P387R, P399R, P436R, P447R.
Identifiers: ClinVar variation 863911 (VCV000863911.10), dbSNP rs796053485, ClinGen allele CA394322209.

ClinVar aggregate classification (germline): Uncertain significance. Review status: criteria provided, multiple submitters, no conflicts (2 of 4 stars). 3 submissions from 3 submitters: Uncertain significance (3). Last evaluated 2025-08-29.

Conditions:
Hereditary cancer-predisposing syndrome. Also called: Tumor predisposition; Hereditary Cancer Syndrome; Neoplastic Syndromes, Hereditary; Hereditary neoplastic syndrome. Identifiers: Orphanet 140162, MedGen C0027672, MeSH D009386, MONDO:0015356.
Tuberous sclerosis syndrome (TSC). Also called: Tuberous Sclerosis Complex; Tuberous sclerosis. Identifiers: Orphanet 805, MedGen C0041341, MONDO:0001734.
Tuberous sclerosis 2 (TSC2). Identifiers: Orphanet 805, MedGen C1860707, MONDO:0013199, OMIM 613254.

Submissions (3):

Ambry Genetics
Classification: Uncertain significance for Hereditary cancer-predisposing syndrome. Last evaluated: 2025-08-29. Review status: criteria provided, single submitter. Criteria: Ambry Variant Classification Scheme 2023. Collection method: clinical testing. Allele origin: germline.
Comment: The p.P436R variant (also known as c.1307C>G), located in coding exon 12 of the TSC2 gene, results from a C to G substitution at nucleotide position 1307. The proline at codon 436 is replaced by arginine, an amino acid with dissimilar properties. This amino acid position is conserved. In addition, this alteration is predicted to be deleterious by in silico analysis. Based on the available evidence, the clinical significance of this variant remains unclear.

Color Diagnostics, LLC DBA Color Health
Classification: Uncertain significance for Tuberous sclerosis syndrome. Last evaluated: 2025-07-17. Review status: criteria provided, single submitter. Criteria: ACMG Guidelines, 2015. Collection method: clinical testing. Allele origin: germline.
Comment: This missense variant replaces proline with arginine at codon 436 of the TSC2 protein. Computational prediction suggests that this variant may have deleterious impact on protein structure and function. To our knowledge, functional studies have not been reported for this variant. This variant has not been reported in individuals affected with TSC2-related disorders in the literature. This variant has not been identified in the general population by the Genome Aggregation Database (gnomAD). The available evidence is insufficient to determine the role of this variant in disease conclusively. Therefore, this variant is classified as a Variant of Uncertain Significance.

Labcorp Genetics (formerly Invitae), Labcorp
Classification: Uncertain significance for Tuberous sclerosis 2. Last evaluated: 2024-07-19. Review status: criteria provided, single submitter. Criteria: Invitae Variant Classification Sherloc (09022015). Collection method: clinical testing. Allele origin: germline.
Comment: This sequence change replaces proline, which is neutral and non-polar, with arginine, which is basic and polar, at codon 436 of the TSC2 protein (p.Pro436Arg). This variant is not present in population databases (gnomAD no frequency). This variant has not been reported in the literature in individuals affected with TSC2-related conditions. ClinVar contains an entry for this variant (Variation ID: 863911). Advanced modeling of protein sequence and biophysical properties (such as structural, functional, and spatial information, amino acid conservation, physicochemical variation, residue mobility, and thermodynamic stability) performed at Invitae indicates that this missense variant is not expected to disrupt TSC2 protein function with a negative predictive value of 95%. In summary, the available evidence is currently insufficient to determine the role of this variant in disease. Therefore, it has been classified as a Variant of Uncertain Significance.